The following is an entry in ClinVar:

NM_032119.4(ADGRV1):c.2105T>G (p.Val702Gly)

Gene: ADGRV1 (adhesion G protein-coupled receptor V1; plus strand). Cytogenetic location: 5q14.3.
Variant type: single nucleotide variant.
Coding change: c.2105T>G on transcript NM_032119.4 (MANE Select); coding-DNA position 2105, T replaced by G.
Protein change: p.Val702Gly; replaces valine 702 with glycine.
Molecular consequence: missense variant. On other transcripts: non-coding transcript variant (1).
Genome position (GRCh38, 1-based): chr5:90,637,813, T>G. VCF-style: chr5-90637813-T-G. GRCh37 (hg19) VCF-style: chr5-89933630-T-G.
Other names: short protein forms V702G.
Identifiers: ClinVar variation 971505 (VCV000971505.10), dbSNP rs780295170, ClinGen allele CA3338828.

ClinVar aggregate classification (germline): Uncertain significance (1 of 4 stars; one submission).

Allele frequency attached by ClinVar (database versions not stated): gnomAD exomes below 0.00001; ExAC 0.00001; gnomAD 0.00002; TOPMed 0.00002.
gnomAD v4.1: 3 of 1,613,566 alleles (0.00019%); highest among the groups gnomAD compares: African/African-American, 0.004%; no homozygotes.

Submission:

Labcorp Genetics (formerly Invitae), Labcorp
Classification: Uncertain significance. Last evaluated: 2022-01-15. Review status: criteria provided, single submitter. Criteria: Invitae Variant Classification Sherloc (09022015). Collection method: clinical testing. Allele origin: germline.
Comment: This sequence change replaces valine, which is neutral and non-polar, with glycine, which is neutral and non-polar, at codon 702 of the ADGRV1 protein (p.Val702Gly). This variant is present in population databases (rs780295170, gnomAD 0.007%). This variant has not been reported in the literature in individuals affected with ADGRV1-related conditions. ClinVar contains an entry for this variant (Variation ID: 971505). Algorithms developed to predict the effect of missense changes on protein structure and function are either unavailable or do not agree on the potential impact of this missense change (SIFT: "Deleterious"; PolyPhen-2: "Benign"; Align-GVGD: "Class C0"). In summary, the available evidence is currently insufficient to determine the role of this variant in disease. Therefore, it has been classified as a Variant of Uncertain Significance.